The following is an entry in ClinVar:

ClinVar aggregate classification (germline): Benign (1 of 4 stars; one submission).

Conditions:
Primary immunodeficiency with natural-killer cell deficiency and adrenal insufficiency (IMD54). Also called: Natural killer cell and glucocorticoid deficiency with DNA repair defect; IMMUNODEFICIENCY 54. Identifiers: Orphanet 75391, MedGen C1864947, MONDO:0012383, OMIM 609981.

Allele frequency attached by ClinVar (database versions not stated): gnomAD 0.00004 and 0.00144; TOPMed 0.00032; gnomAD exomes 0.00241; 1000 Genomes Project 0.01038; 1000 Genomes Project 30x 0.01046.
gnomAD v4.1: 3,515 of 1,503,474 alleles (0.23%); highest among the groups gnomAD compares: South Asian, 4%; 91 homozygotes.

Submission:

Illumina Laboratory Services, Illumina
Classification: Benign for Primary immunodeficiency with natural-killer cell deficiency and adrenal insufficiency. Last evaluated: 2018-01-13. Review status: criteria provided, single submitter. Criteria: ICSL Variant Classification Criteria 13 December 2019. Collection method: clinical testing. Allele origin: germline.
Comment: This variant was observed in the ICSL laboratory as part of a predisposition screen in an ostensibly healthy population. It had not been previously curated by ICSL or reported in the Human Gene Mutation Database (HGMD: prior to June 1st, 2018), and was therefore a candidate for classification through an automated scoring system. Utilizing variant allele frequency, disease prevalence and penetrance estimates, and inheritance mode, an automated score was calculated to assess if this variant is too frequent to cause the disease. Based on the score and internal cut-off values, a variant classified as benign is not then subjected to further curation. The score for this variant resulted in a classification of benign for this disease.

NM_182746.3(MCM4):c.-14-41C>T

Genes: MCM4 (minichromosome maintenance complex component 4; plus strand), LOC130000338 (ATAC-STARR-seq lymphoblastoid silent region 19178; plus strand). Cytogenetic location: 8q11.21.
Variant type: single nucleotide variant.
Coding change: c.-14-41C>T on transcript NM_182746.3 (MANE Select); 41 bases into the intron before 14 bases upstream of the start codon, C replaced by T.
Molecular consequence: intron variant. On other transcripts: 5 prime UTR variant (1).
Genome position (GRCh38, 1-based): chr8:47,961,090, C>T. VCF-style: chr8-47961090-C-T. GRCh37 (hg19) VCF-style: chr8-48873650-C-T.
Other names: c.-14-41C>T (LRG_1239t1); c.-55C>T (NM_005914.4).
Identifiers: ClinVar variation 363211 (VCV000363211.5), dbSNP rs577633841, ClinGen allele CA10627952.